The following is an entry in ClinVar:

NM_001349253.2(SCN11A):c.70_71del (p.Leu24fs)

Gene: SCN11A (sodium voltage-gated channel alpha subunit 11; minus strand). Cytogenetic location: 3p22.2.
Variant type: Microsatellite.
Coding change: c.70_71del on transcript NM_001349253.2 (MANE Select); coding-DNA positions 70 to 71, 2 bases deleted (CT; older notation c.70_71delCT).
Protein change: p.Leu24fs; shifts the reading frame from leucine 24.
Molecular consequence: frameshift variant.
Genome position (GRCh38, 1-based): chr3:38,950,292-38,950,293, AG deleted on the plus strand (CT on the coding strand, the reverse complement: SCN11A is on the minus strand); deleting any 2 consecutive bases within chr3:38,950,292-38,950,297 gives the same sequence; the c. name uses the placement nearest the transcript's 3' end. VCF-style (leftmost placement, unchanged base first): chr3-38950291-CAG-C. GRCh37 (hg19) VCF-style: chr3-38991782-CAG-C.
Other names: c.70_71del, p.Leu24fs (NM_014139.3); short protein forms L24fs.
Identifiers: ClinVar variation 1756639 (VCV001756639.2), dbSNP rs1437845927, ClinGen allele CA542287156.

ClinVar aggregate classification (germline): Uncertain significance (1 of 4 stars; one submission).

Conditions:
Inborn genetic diseases. Identifiers: MedGen C0950123, MeSH D030342.

Submission:

Ambry Genetics
Classification: Uncertain significance for Inborn genetic diseases. Last evaluated: 2022-01-11. Review status: criteria provided, single submitter. Criteria: Ambry Variant Classification Scheme 2023. Collection method: clinical testing. Allele origin: germline.
Comment: The c.70_71delCT variant, located in coding exon 1 of the SCN11A gene, results from a deletion of two nucleotides at nucleotide positions 70 to 71, causing a translational frameshift with a predicted alternate stop codon (p.L24Gfs*4). This alteration is expected to result in loss of function by premature protein truncation or nonsense-mediated mRNA decay. However, loss of function of SCN11A has not been clearly established as a mechanism of disease. Since supporting evidence is limited at this time, the clinical significance of this alteration remains unclear.